The following is an entry in ClinVar:

ClinVar aggregate classification (germline): Uncertain significance (1 of 4 stars; one submission).

Conditions:
Treacher Collins syndrome 4. Identifiers: MedGen C5394546, MONDO:0030067, OMIM 618939.

Allele frequency attached by ClinVar (database versions not stated): gnomAD exomes below 0.00001; TOPMed below 0.00001.
gnomAD v4.1: 1 of 1,614,098 alleles (0.000062%); highest among the groups gnomAD compares: African/African-American, 0.0013%; no homozygotes.

Submission:

Laboratorio de Genetica e Diagnostico Molecular, Hospital Israelita Albert Einstein
Classification: Uncertain significance for Treacher Collins syndrome 4. Last evaluated: 2022-07-22. Review status: criteria provided, single submitter. Criteria: ACMG Guidelines, 2015. Collection method: clinical testing. Allele origin: germline. Affected: yes. Observed: 1 variant allele.
Comment: ACMG classification criteria: PM2 moderated

NM_019014.6(POLR1B):c.56T>C (p.Leu19Ser)

Gene: POLR1B (RNA polymerase I subunit B; plus strand). Cytogenetic location: 2q14.1.
Variant type: single nucleotide variant.
Coding change: c.56T>C on transcript NM_019014.6 (MANE Select); coding-DNA position 56, T replaced by C.
Protein change: p.Leu19Ser; replaces leucine 19 with serine.
Molecular consequence: missense variant. On other transcripts: 5 prime UTR variant (5).
Genome position (GRCh38, 1-based): chr2:112,542,550, T>C. VCF-style: chr2-112542550-T-C. GRCh37 (hg19) VCF-style: chr2-113300127-T-C.
Other names: c.56T>C, p.Leu19Ser (NM_001137604.3, NM_001282774.2, NM_001371969.1 and 1 more transcripts); c.170T>C, p.Leu57Ser (NM_001282772.2); c.-130T>C (NM_001282776.2); c.-454T>C (NM_001282777.2); c.-291T>C (NM_001282779.2); c.-620T>C (NM_001371970.1); c.-445T>C (NM_001371971.1); short protein forms L19S, L57S.
Identifiers: ClinVar variation 2431488 (VCV002431488.1), dbSNP rs1682811417, ClinGen allele CA348262281.